The following is an entry in ClinVar:

ClinVar aggregate classification (germline): Uncertain significance (1 of 4 stars; one submission).

Conditions:
Cardiovascular phenotype. Identifiers: MedGen CN230736.

Submission:

Ambry Genetics
Classification: Uncertain significance for Cardiovascular phenotype. Last evaluated: 2026-07-13. Review status: criteria provided, single submitter. Criteria: Ambry Variant Classification Scheme 2023. Collection method: clinical testing. Allele origin: germline.
Comment: The p.E55G variant (also known as c.164A>G), located in coding exon 5 of the COL1A2 gene, results from an A to G substitution at nucleotide position 164. The glutamic acid at codon 55 is replaced by glycine, an amino acid with similar properties. This amino acid position is conserved. In addition, this alteration is predicted to be tolerated by in silico analysis. Based on the available evidence, the clinical significance of this variant remains unclear.

NM_000089.4(COL1A2):c.164A>G (p.Glu55Gly)

Gene: COL1A2 (collagen type I alpha 2 chain; plus strand). Cytogenetic location: 7q21.3.
Variant type: single nucleotide variant.
Coding change: c.164A>G on transcript NM_000089.4 (MANE Select); coding-DNA position 164, A replaced by G.
Protein change: p.Glu55Gly; replaces glutamic acid 55 with glycine.
Molecular consequence: missense variant.
Genome position (GRCh38, 1-based): chr7:94,400,227, A>G. VCF-style: chr7-94400227-A-G. GRCh37 (hg19) VCF-style: chr7-94029539-A-G.
Other names: short protein forms E55G.
Identifiers: ClinVar variation 5034729 (VCV005034729.1).